The following is an entry in ClinVar:

ClinVar aggregate classification (germline): Uncertain significance (1 of 4 stars; one submission).

Conditions:
Nemaline myopathy 2 (NEM2). Also called: Nemaline myopathy 2, autosomal recessive. Identifiers: MedGen C1850569, MONDO:0009725, OMIM 256030.

Allele frequency attached by ClinVar (database versions not stated): gnomAD exomes below 0.00001.
gnomAD v4.1: 1 of 1,613,942 alleles (0.000062%); highest among the groups gnomAD compares: Non-Finnish European, 0.000085%; no homozygotes.

Submission:

Labcorp Genetics (formerly Invitae), Labcorp
Classification: Uncertain significance for Nemaline myopathy 2. Last evaluated: 2019-12-02. Review status: criteria provided, single submitter. Criteria: Invitae Variant Classification Sherloc (09022015). Collection method: clinical testing. Allele origin: germline.
Comment: This sequence change affects codon 2580 of the NEB mRNA. It is a 'silent' change, meaning that it does not change the encoded amino acid sequence of the NEB protein. This variant is not present in population databases (ExAC no frequency). This variant has not been reported in the literature in individuals with NEB-related conditions. Algorithms developed to predict the effect of sequence changes on RNA splicing suggest that this variant may create or strengthen a splice site, but this prediction has not been confirmed by published transcriptional studies. In summary, the available evidence is currently insufficient to determine the role of this variant in disease. Therefore, it has been classified as a Variant of Uncertain Significance.

NM_001164508.2(NEB):c.7740G>A (p.Val2580=)

Gene: NEB (nebulin; minus strand). Cytogenetic location: 2q23.3.
Variant type: single nucleotide variant.
Coding change: c.7740G>A on transcript NM_001164508.2 (MANE Select); coding-DNA position 7740, G replaced by A.
Protein change: p.Val2580=; no amino-acid change (valine 2580 retained).
Molecular consequence: synonymous variant.
Genome position (GRCh38, 1-based): chr2:151,644,034, C>T on the plus strand (G>A on the coding strand, the complement: NEB is on the minus strand). VCF-style: chr2-151644034-C-T. GRCh37 (hg19) VCF-style: chr2-152500548-C-T.
Other names: c.7740G>A, p.Val2580= (NM_001164507.2, NM_001271208.2, NM_004543.5).
Identifiers: ClinVar variation 862429 (VCV000862429.1), dbSNP rs2098921464, ClinGen allele CA429231913.
Genomic context (GRCh38, chr2:151,644,034, plus strand): 5'-GAACTTGGTCTTCCACTTCTCAAAGTCCTTCTTGTACTCCCTGTCACTCTGGATCTTGGC[C>T]ACATGCATGGACCACATCATCTTGGGGTCATCTTCAATGTTCCGGGCACCAATGTGGTGG-3'
Protein context (NP_001157980.2, residues 2570-2590): DDPKMMWSMH[Val2580=]AKIQSDREYK